The following is an entry in ClinVar:

ClinVar aggregate classification (germline): Conflicting classifications of pathogenicity. Review status: criteria provided, conflicting classifications (1 of 4 stars). 2 submissions from 2 submitters: Uncertain significance (1); Likely benign (1). Last evaluated 2025-06-26.

Conditions:
Hereditary cancer-predisposing syndrome. Also called: Hereditary neoplastic syndrome; Neoplastic Syndromes, Hereditary; Tumor predisposition; Hereditary Cancer Syndrome. Identifiers: Orphanet 140162, MedGen C0027672, MeSH D009386, MONDO:0015356.
Neuroblastoma, susceptibility to, 3. Also called: ALK-Related Neuroblastic Tumor Susceptibility. Identifiers: Orphanet 635, MedGen C2751681, MONDO:0013083, OMIM 613014.

Allele frequency attached by ClinVar (database versions not stated): gnomAD exomes below 0.00001; TOPMed 0.00001.

Submissions (2):

Ambry Genetics
Classification: Likely benign for Hereditary cancer-predisposing syndrome. Last evaluated: 2025-06-26. Review status: criteria provided, single submitter. Criteria: Ambry Variant Classification Scheme 2023. Collection method: clinical testing. Allele origin: germline.

Labcorp Genetics (formerly Invitae), Labcorp
Classification: Uncertain significance for Neuroblastoma, susceptibility to, 3. Last evaluated: 2020-01-18. Review status: criteria provided, single submitter. Criteria: Invitae Variant Classification Sherloc (09022015). Collection method: clinical testing. Allele origin: germline.
Comment: This variant is not present in population databases (ExAC no frequency). This sequence change creates a premature translational stop signal (p.Val417Trpfs*6) in the ALK gene. It is expected to result in an absent or disrupted protein product. This variant has not been reported in the literature in individuals with ALK-related conditions. In summary, the available evidence is currently insufficient to determine the role of this variant in disease. Therefore, it has been classified as a Variant of Uncertain Significance. The current clinical and genetic evidence is not sufficient to establish whether loss-of-function variants in ALK cause disease.

NM_004304.5(ALK):c.1249del (p.Val417fs)

Gene: ALK (ALK receptor tyrosine kinase; minus strand). Cytogenetic location: 2p23.2.
Variant type: Deletion.
Coding change: c.1249del on transcript NM_004304.5 (MANE Select); coding-DNA position 1249, one base deleted (G; older notation c.1249delG).
Protein change: p.Val417fs; shifts the reading frame from valine 417.
Molecular consequence: frameshift variant.
Genome position (GRCh38, 1-based): chr2:29,383,765, C deleted on the plus strand (G on the coding strand, the reverse complement: ALK is on the minus strand). VCF-style (leftmost placement, unchanged base first): chr2-29383764-AC-A. GRCh37 (hg19) VCF-style: chr2-29606630-AC-A.
Other names: c.1249delG (NM_004304.4); short protein forms V417fs.
Identifiers: ClinVar variation 1002687 (VCV001002687.7), dbSNP rs1668962676, ClinGen allele CA1241165089.